The following is an entry in ClinVar:

ClinVar aggregate classification (germline): Uncertain significance (1 of 4 stars; one submission).

Allele frequency attached by ClinVar (database versions not stated): TOPMed 0.00002; gnomAD 0.00001; ESP Exome Variant Server 0.00008; ExAC 0.00005; gnomAD exomes 0.00004.

Submission:

GeneDx
Classification: Uncertain significance. Last evaluated: 2021-07-19. Review status: criteria provided, single submitter. Criteria: GeneDx Variant Classification Process June 2021. Collection method: clinical testing. Allele origin: germline. Affected: yes.
Comment: In silico analysis supports that this missense variant does not alter protein structure/function; Has not been previously published as pathogenic or benign to our knowledge; This variant is associated with the following publications: (PMID: 27535533)

NM_014208.3(DSPP):c.304G>A (p.Glu102Lys)

Genes: DMP1-AS1 (DMP1 and DSPP antisense RNA 1; minus strand), DSPP (dentin sialophosphoprotein; plus strand). Cytogenetic location: 4q22.1.
Variant type: single nucleotide variant.
Coding change: c.304G>A on transcript NM_014208.3 (MANE Select); coding-DNA position 304, G replaced by A.
Protein change: p.Glu102Lys; replaces glutamic acid 102 with lysine.
Molecular consequence: missense variant.
Genome position (GRCh38, 1-based): chr4:87,612,490, G>A. VCF-style: chr4-87612490-G-A. GRCh37 (hg19) VCF-style: chr4-88533642-G-A.
Other names: short protein forms E102K.
Identifiers: ClinVar variation 1254181 (VCV001254181.2), dbSNP rs377628362, ClinGen allele CA3000871.